The following is an entry in ClinVar:

ClinVar aggregate classification (germline): Uncertain significance (1 of 4 stars; one submission).

Conditions:
Postaxial polydactyly-anterior pituitary anomalies-facial dysmorphism syndrome. Also called: Culler-Jones syndrome. Identifiers: Orphanet 420584, MedGen C4014479, MONDO:0014369, OMIM 615849.
Holoprosencephaly 9 (HPE9). Also called: HOLOPROSENCEPHALY WITH MICROPHTHALMIA AND FIRST BRANCHIAL ARCH ANOMALIES; PITUITARY ANOMALIES WITH HOLOPROSENCEPHALY-LIKE FEATURES. Identifiers: Orphanet 2162, MedGen C1835819, MONDO:0012563, OMIM 610829.

Allele frequency attached by ClinVar (database versions not stated): TOPMed 0.00002.
gnomAD v4.1: 2 of 1,614,102 alleles (0.00012%); highest among the groups gnomAD compares: Admixed American, 0.0033%; no homozygotes.

Submission:

Labcorp Genetics (formerly Invitae), Labcorp
Classification: Uncertain significance for Postaxial polydactyly-anterior pituitary anomalies-facial dysmorphism syndrome; Holoprosencephaly 9. Last evaluated: 2022-12-23. Review status: criteria provided, single submitter. Criteria: Invitae Variant Classification Sherloc (09022015). Collection method: clinical testing. Allele origin: germline.
Comment: In summary, the available evidence is currently insufficient to determine the role of this variant in disease. Therefore, it has been classified as a Variant of Uncertain Significance. Advanced modeling of protein sequence and biophysical properties (such as structural, functional, and spatial information, amino acid conservation, physicochemical variation, residue mobility, and thermodynamic stability) performed at Invitae indicates that this missense variant is not expected to disrupt GLI2 protein function. This sequence change replaces glycine, which is neutral and non-polar, with aspartic acid, which is acidic and polar, at codon 619 of the GLI2 protein (p.Gly619Asp). This variant is present in population databases (no rsID available, gnomAD 0.006%). This variant has not been reported in the literature in individuals affected with GLI2-related conditions.

NM_001374353.1(GLI2):c.1805G>A (p.Gly602Asp)

Gene: GLI2 (GLI family zinc finger 2; plus strand). Cytogenetic location: 2q14.2.
Variant type: single nucleotide variant.
Coding change: c.1805G>A on transcript NM_001374353.1 (MANE Select); coding-DNA position 1805, G replaced by A.
Protein change: p.Gly602Asp; replaces glycine 602 with aspartic acid.
Molecular consequence: missense variant.
Genome position (GRCh38, 1-based): chr2:120,984,643, G>A. VCF-style: chr2-120984643-G-A. GRCh37 (hg19) VCF-style: chr2-121742219-G-A.
Other names: c.1856G>A, p.Gly619Asp (NM_001371271.1, NM_005270.5); c.1430G>A, p.Gly477Asp (NM_001374354.1); short protein forms G477D, G619D, G602D.
Identifiers: ClinVar variation 2945777 (VCV002945777.2), dbSNP rs1041659064, ClinGen allele CA54378163.